The following is an entry in ClinVar:

NM_000368.5(TSC1):c.2152C>T (p.Arg718Trp)

Gene: TSC1 (TSC complex subunit 1; minus strand). Cytogenetic location: 9q34.13.
Variant type: single nucleotide variant.
Coding change: c.2152C>T on transcript NM_000368.5 (MANE Select); coding-DNA position 2152, C replaced by T.
Protein change: p.Arg718Trp; replaces arginine 718 with tryptophan.
Molecular consequence: missense variant.
Genome position (GRCh38, 1-based): chr9:132,903,707, G>A on the plus strand (C>T on the coding strand, the complement: TSC1 is on the minus strand). VCF-style: chr9-132903707-G-A. GRCh37 (hg19) VCF-style: chr9-135779094-G-A.
Other names: c.2149C>T, p.Arg717Trp (NM_001162426.2); c.1999C>T, p.Arg667Trp (NM_001162427.2); c.1789C>T, p.Arg597Trp (NM_001362177.2); short protein forms R717W, R718W, R597W, R667W.
Identifiers: ClinVar variation 820805 (VCV000820805.17), dbSNP rs1445358121, ClinGen allele CA375360858.
Genomic context (GRCh38, chr9:132,903,707, plus strand): 5'-TCACCATGGCAGCATTATGTTCCTCCAGAGCTGCTGCTTTGATCACCTTGCGGAGGAGCC[G>A]CCTGTTCCGGAGGGCATGCTGCTGCCTCTTAAAACGCTCATAGAGTAACTGGTTGTGCAG-3'
Protein context (NP_000359.1, residues 708-728): KRQQHALRNR[Arg718Trp]LLRKVIKAAA

ClinVar aggregate classification (germline): Uncertain significance. Review status: criteria provided, multiple submitters, no conflicts (2 of 4 stars). 3 submissions from 3 submitters: Uncertain significance (3). Last evaluated 2026-07-21.

Conditions:
Hereditary cancer-predisposing syndrome. Also called: Tumor predisposition; Hereditary Cancer Syndrome; Neoplastic Syndromes, Hereditary; Hereditary neoplastic syndrome. Identifiers: Orphanet 140162, MedGen C0027672, MeSH D009386, MONDO:0015356.
Tuberous sclerosis 1 (TSC1). Identifiers: Orphanet 805, MedGen C1854465, MONDO:0008612, OMIM 191100.

Allele frequency attached by ClinVar (database versions not stated): gnomAD 0.00001.
gnomAD v4.1: 1 of 1,612,956 alleles (0.000062%); no homozygotes.

Submissions (3):

Ambry Genetics
Classification: Uncertain significance for Hereditary cancer-predisposing syndrome. Last evaluated: 2026-07-21. Review status: criteria provided, single submitter. Criteria: Ambry Variant Classification Scheme 2023. Collection method: clinical testing. Allele origin: germline.
Comment: The p.R718W variant (also known as c.2152C>T), located in coding exon 15 of the TSC1 gene, results from a C to T substitution at nucleotide position 2152. The arginine at codon 718 is replaced by tryptophan, an amino acid with dissimilar properties. This amino acid position is highly conserved in available vertebrate species. In addition, this alteration is predicted to be deleterious by in silico analysis. Based on the available evidence, the clinical significance of this variant remains unclear.

Labcorp Genetics (formerly Invitae), Labcorp
Classification: Uncertain significance for Tuberous sclerosis 1. Last evaluated: 2024-04-12. Review status: criteria provided, single submitter. Criteria: Invitae Variant Classification Sherloc (09022015). Collection method: clinical testing. Allele origin: germline.
Comment: This sequence change replaces arginine, which is basic and polar, with tryptophan, which is neutral and slightly polar, at codon 718 of the TSC1 protein (p.Arg718Trp). This variant is not present in population databases (gnomAD no frequency). This variant has not been reported in the literature in individuals affected with TSC1-related conditions. ClinVar contains an entry for this variant (Variation ID: 820805). Advanced modeling of protein sequence and biophysical properties (such as structural, functional, and spatial information, amino acid conservation, physicochemical variation, residue mobility, and thermodynamic stability) performed at Invitae indicates that this missense variant is not expected to disrupt TSC1 protein function with a negative predictive value of 95%. In summary, the available evidence is currently insufficient to determine the role of this variant in disease. Therefore, it has been classified as a Variant of Uncertain Significance.

Genome-Nilou Lab
Classification: Uncertain significance for Tuberous sclerosis 1. Last evaluated: 2021-11-07. Review status: criteria provided, single submitter. Criteria: ACMG Guidelines, 2015. Collection method: clinical testing. Allele origin: germline. Affected: no.